The following is an entry in ClinVar:

NM_002880.4(RAF1):c.1207G>A (p.Val403Met)

Gene: RAF1 (Raf-1 proto-oncogene, serine/threonine kinase; minus strand). Cytogenetic location: 3p25.2.
Variant type: single nucleotide variant.
Coding change: c.1207G>A on transcript NM_002880.4 (MANE Select); coding-DNA position 1207, G replaced by A.
Protein change: p.Val403Met; replaces valine 403 with methionine.
Molecular consequence: missense variant. On other transcripts: non-coding transcript variant (3).
Genome position (GRCh38, 1-based): chr3:12,590,961, C>T on the plus strand (G>A on the coding strand, the complement: RAF1 is on the minus strand). VCF-style: chr3-12590961-C-T. GRCh37 (hg19) VCF-style: chr3-12632460-C-T.
Other names: c.1024G>A, p.Val342Met (NM_001354694.3); c.1267G>A, p.Val423Met (NM_001354689.3); c.1207G>A, p.Val403Met (NM_001354690.3); c.964G>A, p.Val322Met (NM_001354691.3, NM_001354692.3); c.1108G>A, p.Val370Met (NM_001354693.3); c.865G>A, p.Val289Met (NM_001354695.3); short protein forms V289M, V322M, V342M, V370M, V403M, V423M.
Identifiers: ClinVar variation 4291826 (VCV004291826.2).

ClinVar aggregate classification (germline): Uncertain significance. Review status: criteria provided, multiple submitters, no conflicts (2 of 4 stars). 2 submissions from 2 submitters: Uncertain significance (2). Last evaluated 2025-08-14.

Conditions:
Noonan syndrome 5 (NS5). Also called: RAF1-Related Noonan Syndrome. Identifiers: Orphanet 648, MedGen C1969057, MONDO:0012690, OMIM 611553. Disease mechanism: gain of function.

Submissions (2):

GeneDx
Classification: Uncertain significance. Last evaluated: 2025-08-14. Review status: criteria provided, single submitter. Criteria: GeneDx Variant Classification Process June 2021. Collection method: clinical testing. Allele origin: germline. Affected: yes.
Comment: Not observed at significant frequency in large population cohorts (gnomAD); Missense variants in this gene are a common cause of disease and they are underrepresented in the general population; In silico analysis supports that this missense variant has a deleterious effect on protein structure/function; Has not been previously published as pathogenic or benign to our knowledge; This variant is associated with the following publications: (PMID: 29493581)

3billion
Classification: Uncertain significance for Noonan syndrome 5. Last evaluated: 2024-09-06. Review status: criteria provided, single submitter. Criteria: ACMG Guidelines, 2015. Collection method: clinical testing. Allele origin: germline. Affected: yes.
Comment: The variant is not observed in the gnomAD v4.0.0 dataset. Predicted Consequence/Location: Missense variant. Missense changes are a common disease-causing mechanism. In silico tool predictions suggest damaging effect of the variant on gene or gene product [REVEL: 0.80 (>=0.6, sensitivity 0.68 and specificity 0.92)]. Therefore, this variant is classified as VUS according to the recommendation of ACMG/AMP guideline.